The following is an entry in ClinVar:

NM_172107.4(KCNQ2):c.77G>A (p.Gly26Glu)

Gene: KCNQ2 (potassium voltage-gated channel subfamily Q member 2; minus strand). Cytogenetic location: 20q13.33.
Variant type: single nucleotide variant.
Coding change: c.77G>A on transcript NM_172107.4 (MANE Select); coding-DNA position 77, G replaced by A.
Protein change: p.Gly26Glu; replaces glycine 26 with glutamic acid.
Molecular consequence: missense variant.
Genome position (GRCh38, 1-based): chr20:63,472,387, C>T on the plus strand (G>A on the coding strand, the complement: KCNQ2 is on the minus strand). VCF-style: chr20-63472387-C-T. GRCh37 (hg19) VCF-style: chr20-62103740-C-T.
Other names: c.77G>A, p.Gly26Glu (NM_001382235.1, NM_004518.6, NM_172106.3 and 2 more transcripts); short protein forms G26E.
Identifiers: ClinVar variation 1477990 (VCV001477990.8), dbSNP rs1447528231, ClinGen allele CA409635889.

ClinVar aggregate classification (germline): Uncertain significance (1 of 4 stars; one submission).

Conditions:
Early-infantile DEE. Also called: Ohtahara syndrome; Early infantile epileptic encephalopathy with suppression bursts; Early infantile epileptic encephalopathy. Identifiers: Orphanet 1934, MedGen C0393706, MONDO:0800491.

Allele frequency attached by ClinVar (database versions not stated): gnomAD 0.00001; gnomAD exomes 0.00001 and 0.00004; TOPMed 0.00001.
gnomAD v4.1: 52 of 1,536,194 alleles (0.0034%); highest among the groups gnomAD compares: Non-Finnish European, 0.0045%; no homozygotes.

Submission:

Labcorp Genetics (formerly Invitae), Labcorp
Classification: Uncertain significance for Early-infantile DEE. Last evaluated: 2025-01-14. Review status: criteria provided, single submitter. Criteria: Invitae Variant Classification Sherloc (09022015). Collection method: clinical testing. Allele origin: germline.
Comment: This sequence change replaces glycine, which is neutral and non-polar, with glutamic acid, which is acidic and polar, at codon 26 of the KCNQ2 protein (p.Gly26Glu). This variant is present in population databases (no rsID available, gnomAD 0.002%). This variant has not been reported in the literature in individuals affected with KCNQ2-related conditions. ClinVar contains an entry for this variant (Variation ID: 1477990). Invitae Evidence Modeling of protein sequence and biophysical properties (such as structural, functional, and spatial information, amino acid conservation, physicochemical variation, residue mobility, and thermodynamic stability) indicates that this missense variant is expected to disrupt KCNQ2 protein function with a positive predictive value of 95%. In summary, the available evidence is currently insufficient to determine the role of this variant in disease. Therefore, it has been classified as a Variant of Uncertain Significance.